The following is an entry in ClinVar:

ClinVar aggregate classification (germline): Conflicting classifications of pathogenicity. Review status: criteria provided, conflicting classifications (1 of 4 stars). 15 submissions from 15 submitters: Uncertain significance (5); Benign (1); Likely benign (6). 3 of the submissions do not count toward it. Last evaluated 2026-06-09.

Conditions:
Ehlers-Danlos syndrome due to tenascin-X deficiency (EDSCLL1). Also called: TNX DEFICIENCY; EHLERS-DANLOS SYNDROME, CLASSIC-LIKE; Ehlers-Danlos syndrome, classic-like, 1; TNXB-Related Classical-Like Ehlers-Danlos Syndrome; EDS DUE TO TNX DEFICIENCY. Identifiers: Orphanet 230839, MedGen C1848029, MONDO:0011670, OMIM 606408.
Cardiovascular phenotype. Identifiers: MedGen CN230736.
TNXB-related disorder. Also called: TNXB-related condition.
Vesicoureteral reflux 8 (VUR8). Identifiers: Orphanet 289365, MedGen C4014831, MONDO:0014422, OMIM 615963.
Ehlers-Danlos syndrome (EDS). Identifiers: Orphanet 98249, MedGen C0013720, MONDO:0020066.

Allele frequency attached by ClinVar (database versions not stated): 1000 Genomes Project 30x 0.00062; 1000 Genomes Project 0.00080; gnomAD 0.00114 and 0.00117; TOPMed 0.00120; ESP Exome Variant Server 0.00141; ExAC 0.00144; gnomAD exomes 0.00147 and 0.00241.
gnomAD v4.1: 3,686 of 1,613,978 alleles (0.23%); highest among the groups gnomAD compares: Middle Eastern, 0.58%; 9 homozygotes.

Submissions (15):

Women's Health and Genetics/Laboratory Corporation of America, LabCorp
Classification: Likely benign. Last evaluated: 2026-06-09. Review status: criteria provided, single submitter. Criteria: LabCorp Variant Classification Summary - May 2015. Collection method: clinical testing. Allele origin: germline.
Comment: Variant summary: TNXB c.2170C>T (p.Arg724Cys) results in a non-conservative amino acid change in the encoded protein sequence. Algorithms developed to predict the effect of missense changes on protein structure and function are either unavailable or do not agree on the potential impact of this missense change. The variant allele was found at a frequency of 0.0015 in 248884 control chromosomes, predominantly at a frequency of 0.0023 within the Non-Finnish European subpopulation in the gnomAD database. The observed variant frequency within Non-Finnish European control individuals in the gnomAD database exceeds the estimated maximal expected allele frequency for disease-causing variants in TNXB. To our knowledge, no occurrence of c.2170C>T in individuals affected with TNXB-related conditions and no experimental evidence demonstrating its impact on protein function have been reported. ClinVar contains an entry for this variant (Variation ID: 634508). Based on the evidence outlined above, the variant was classified as likely benign.

CeGaT Center for Human Genetics Tuebingen
Classification: Likely benign. Last evaluated: 2026-06-01. Review status: criteria provided, single submitter. Criteria: CeGaT Center For Human Genetics Tuebingen Variant Classification Criteria Version 2. Collection method: clinical testing. Allele origin: germline. Affected: yes. Observed: 8 variant alleles.
Comment: TNXB: BP4, BS1

Labcorp Genetics (formerly Invitae), Labcorp
Classification: Likely benign. Last evaluated: 2026-01-26. Review status: criteria provided, single submitter. Criteria: Invitae Variant Classification Sherloc (09022015). Collection method: clinical testing. Allele origin: germline.

GeneDx
Classification: Uncertain significance. Last evaluated: 2025-07-17. Review status: criteria provided, single submitter. Criteria: GeneDx Variant Classification Process June 2021. Collection method: clinical testing. Allele origin: germline. Affected: yes.
Comment: Identified in a patient with Behet's disease (BD) in published literature (PMID: 26662719); In silico analysis supports that this missense variant has a deleterious effect on protein structure/function; This variant is associated with the following publications: (PMID: 26662719)

Blueprint Genetics
Classification: Likely benign. Last evaluated: 2024-11-12. Review status: criteria provided, single submitter. Criteria: ACMG Guidelines, 2015. Collection method: clinical testing. Allele origin: germline.

Mayo Clinic Laboratories, Mayo Clinic
Classification: Benign. Last evaluated: 2024-06-06. Review status: criteria provided, single submitter. Criteria: ACMG Guidelines, 2015. Collection method: clinical testing. Allele origin: germline. Observed: 12 variant alleles.
Comment: BS1, BS2, BP4

Ambry Genetics
Classification: Likely benign for Cardiovascular phenotype. Last evaluated: 2024-03-12. Review status: criteria provided, single submitter. Criteria: Ambry Variant Classification Scheme 2023. Collection method: clinical testing. Allele origin: germline.

Daryl Scott Lab, Baylor College of Medicine
Classification: Uncertain significance for TNXB-related disorder. Last evaluated: 2024-01-01. Review status: criteria provided, single submitter. Criteria: ACMG Guidelines, 2015. Collection method: clinical testing. Allele origin: paternal. Observed: 1 heterozygote.
Comment: BS2, PP3

Fulgent Genetics
Classification: Uncertain significance for Ehlers-Danlos syndrome due to tenascin-X deficiency; Vesicoureteral reflux 8. Last evaluated: 2022-05-02. Review status: criteria provided, single submitter. Criteria: ACMG Guidelines, 2015. Collection method: clinical testing. Allele origin: unknown.

Genome Diagnostics Laboratory, The Hospital for Sick Children
Classification: Likely benign for Ehlers-Danlos syndrome. Last evaluated: 2021-04-05. Review status: criteria provided, single submitter. Criteria: ACMG Guidelines, 2015. Collection method: clinical testing. Allele origin: germline.

Genomic Research Center, Shahid Beheshti University of Medical Sciences
Classification: Uncertain significance for Ehlers-Danlos-like syndrome due to tenascin-X deficiency. Last evaluated: 2019-01-01. Review status: criteria provided, single submitter. Criteria: ACMG Guidelines, 2015. Collection method: clinical testing. Allele origin: unknown. Affected: yes. Observed: 1 variant allele.

Breakthrough Genomics
Classification: Uncertain significance. Review status: criteria provided, single submitter. Criteria: ACMG Guidelines, 2015. Collection method: not provided. Allele origin: germline. Inheritance: Autosomal recessive inheritance. Affected: yes.

PreventionGenetics, part of Exact Sciences
Classification: Likely benign for TNXB-related condition. Last evaluated: 2022-12-22. Review status: no assertion criteria provided. Collection method: clinical testing. Allele origin: germline. Not counted in ClinVar's aggregate classification.
Comment: This variant is classified as likely benign based on ACMG/AMP sequence variant interpretation guidelines (Richards et al. 2015 PMID: 25741868, with internal and published modifications).

Genome Diagnostics Laboratory, Amsterdam University Medical Center
Classification: Likely benign. Review status: no assertion criteria provided. Collection method: clinical testing. Allele origin: germline. Affected: yes. Study: VKGL Data-share Consensus. Not counted in ClinVar's aggregate classification.

Genome Diagnostics Laboratory, University Medical Center Utrecht
Classification: Likely benign. Review status: no assertion criteria provided. Collection method: clinical testing. Allele origin: germline. Affected: yes. Study: VKGL Data-share Consensus. Not counted in ClinVar's aggregate classification.

Literature cited by the submitters: PubMed 26662719 (cited by Mayo Clinic Laboratories, Mayo Clinic and Ambry Genetics).

NM_001365276.2(TNXB):c.2170C>T (p.Arg724Cys)

Gene: TNXB (tenascin XB; minus strand). Cytogenetic location: 6p21.33.
Variant type: single nucleotide variant.
Coding change: c.2170C>T on transcript NM_001365276.2 (MANE Select); coding-DNA position 2170, C replaced by T.
Protein change: p.Arg724Cys; replaces arginine 724 with cysteine.
Molecular consequence: missense variant.
Genome position (GRCh38, 1-based): chr6:32,095,683, G>A on the plus strand (C>T on the coding strand, the complement: TNXB is on the minus strand). VCF-style: chr6-32095683-G-A. GRCh37 (hg19) VCF-style: chr6-32063460-G-A.
Other names: p.Arg724Cys; c.2170C>T, p.Arg724Cys (NM_019105.8); short protein forms R724C.
Identifiers: ClinVar variation 634508 (VCV000634508.57), dbSNP rs138771398, ClinGen allele CA3735545.